The following is an entry in ClinVar:

ClinVar aggregate classification (germline): Uncertain significance (1 of 4 stars; one submission).

gnomAD v4.1: 1 of 1,614,012 alleles (0.000062%); highest among the groups gnomAD compares: Admixed American, 0.0017%; no homozygotes.

Submission:

GeneDx
Classification: Uncertain significance. Last evaluated: 2025-11-24. Review status: criteria provided, single submitter. Criteria: GeneDx Variant Classification Process June 2021. Collection method: clinical testing. Allele origin: germline. Affected: yes.
Comment: Not observed at significant frequency in large population cohorts (gnomAD); In silico analysis supports that this missense variant has a deleterious effect on protein structure/function; Has not been previously published as pathogenic or benign to our knowledge

NM_018255.4(ELP2):c.2189C>A (p.Pro730Gln)

Gene: ELP2 (elongator acetyltransferase complex subunit 2; plus strand). Cytogenetic location: 18q12.2.
Variant type: single nucleotide variant.
Coding change: c.2189C>A on transcript NM_018255.4 (MANE Select); coding-DNA position 2189, C replaced by A.
Protein change: p.Pro730Gln; replaces proline 730 with glutamine.
Molecular consequence: missense variant. On other transcripts: non-coding transcript variant (3).
Genome position (GRCh38, 1-based): chr18:36,170,175, C>A. VCF-style: chr18-36170175-C-A. GRCh37 (hg19) VCF-style: chr18-33750138-C-A.
Other names: c.2384C>A, p.Pro795Gln (NM_001242875.3); c.2174C>A, p.Pro725Gln (NM_001242876.3); c.2111C>A, p.Pro704Gln (NM_001242877.3); c.1979C>A, p.Pro660Gln (NM_001242878.3, NM_001242879.3); c.2057C>A, p.Pro686Gln (NM_001324465.2); c.2306C>A, p.Pro769Gln (NM_001324466.2); c.2039C>A, p.Pro680Gln (NM_001324467.2); c.1742C>A, p.Pro581Gln (NM_001324468.2); short protein forms P581Q, P660Q, P680Q, P686Q, P704Q, P725Q, P730Q, P769Q.
Identifiers: ClinVar variation 3371337 (VCV003371337.2).